The following is an entry in ClinVar:

NM_003072.5(SMARCA4):c.880G>T (p.Ala294Ser)

Gene: SMARCA4 (SWI/SNF related BAF chromatin remodeling complex subunit ATPase 4; plus strand). Cytogenetic location: 19p13.2.
Variant type: single nucleotide variant.
Coding change: c.880G>T on transcript NM_003072.5 (MANE Select); coding-DNA position 880, G replaced by T.
Protein change: p.Ala294Ser; replaces alanine 294 with serine.
Molecular consequence: missense variant. On other transcripts: non-coding transcript variant (1).
Genome position (GRCh38, 1-based): chr19:10,987,686, G>T. VCF-style: chr19-10987686-G-T. GRCh37 (hg19) VCF-style: chr19-11098362-G-T.
Other names: c.880G>T, p.Ala294Ser (NM_001128844.3, NM_001128845.2, NM_001128846.2 and 5 more transcripts); short protein forms A294S.
Identifiers: ClinVar variation 661339 (VCV000661339.8), dbSNP rs1599966074, ClinGen allele CA404058360.

ClinVar aggregate classification (germline): Uncertain significance (1 of 4 stars; one submission).

Conditions:
Rhabdoid tumor predisposition syndrome 2 (RTPS2). Identifiers: Orphanet 231108, Orphanet 69077, MedGen C2750074, MONDO:0013224, OMIM 613325.

Submission:

Labcorp Genetics (formerly Invitae), Labcorp
Classification: Uncertain significance for Rhabdoid tumor predisposition syndrome 2. Last evaluated: 2018-11-09. Review status: criteria provided, single submitter. Criteria: Invitae Variant Classification Sherloc (09022015). Collection method: clinical testing. Allele origin: germline.
Comment: This sequence change replaces alanine with serine at codon 294 of the SMARCA4 protein (p.Ala294Ser). The alanine residue is highly conserved and there is a moderate physicochemical difference between alanine and serine. In summary, the available evidence is currently insufficient to determine the role of this variant in disease. Therefore, it has been classified as a Variant of Uncertain Significance. Algorithms developed to predict the effect of missense changes on protein structure and function are either unavailable or do not agree on the potential impact of this missense change (SIFT: "Deleterious"; PolyPhen-2: "Benign"; Align-GVGD: "Class C65"). This variant has not been reported in the literature in individuals with SMARCA4-related disease. This variant is not present in population databases (ExAC no frequency).